The following is an entry in ClinVar:

ClinVar aggregate classification (germline): Uncertain significance (1 of 4 stars; one submission).

Submission:

Ambry Genetics
Classification: Uncertain significance. Last evaluated: 2022-05-22. Review status: criteria provided, single submitter. Criteria: Ambry Variant Classification Scheme 2023. Collection method: clinical testing. Allele origin: germline.
Comment: The p.E424D variant (also known as c.1272G>C), located in coding exon 9 of the POLQ gene, results from a G to C substitution at nucleotide position 1272. The glutamic acid at codon 424 is replaced by aspartic acid, an amino acid with highly similar properties. This amino acid position is conserved. In addition, this alteration is predicted to be tolerated by in silico analysis. Since supporting evidence is limited at this time, the clinical significance of this alteration remains unclear.

NM_199420.4(POLQ):c.1272G>C (p.Glu424Asp)

Gene: POLQ (DNA polymerase theta; minus strand). Cytogenetic location: 3q13.33.
Variant type: single nucleotide variant.
Coding change: c.1272G>C on transcript NM_199420.4 (MANE Select); coding-DNA position 1272, G replaced by C.
Protein change: p.Glu424Asp; replaces glutamic acid 424 with aspartic acid.
Molecular consequence: missense variant.
Genome position (GRCh38, 1-based): chr3:121,520,067, C>G on the plus strand (G>C on the coding strand, the complement: POLQ is on the minus strand). VCF-style: chr3-121520067-C-G. GRCh37 (hg19) VCF-style: chr3-121238914-C-G.
Other names: short protein forms E424D.
Identifiers: ClinVar variation 1765818 (VCV001765818.2), dbSNP rs2546810281, ClinGen allele CA354119990.
Genomic context (GRCh38, chr3:121,520,067, plus strand): 5'-AGAAGTTGCCGCCAAGACCCGAATGAGACCTTGACGAAAGGCTCCTTCAATGATATCCCT[C>G]TCCTCAAAAGTAAGACCTAAAAAAAGGAGGTTTTTATATATTTATTGATATATAACGAAA-3'
Protein context (NP_955452.3, residues 414-434): AFHHAGLTFE[Glu424Asp]RDIIEGAFRQ